The following is an entry in ClinVar:

ClinVar aggregate classification (germline): Benign. Review status: criteria provided, single submitter (1 of 4 stars). 2 submissions from 2 submitters: Benign (1). 1 of the submissions does not count toward it. Last evaluated 2025-12-01.

Conditions:
TRPM1-related disorder. Also called: TRPM1-related condition.

Allele frequency attached by ClinVar (database versions not stated): gnomAD 0.00001 and 0.00017; TOPMed 0.00003; gnomAD exomes 0.00080; ExAC 0.00093; 1000 Genomes Project 30x 0.00094; 1000 Genomes Project 0.00120.
gnomAD v4.1: 593 of 1,614,196 alleles (0.037%); highest among the groups gnomAD compares: South Asian, 0.62%; 10 homozygotes.

Submissions (2):

Labcorp Genetics (formerly Invitae), Labcorp
Classification: Benign. Last evaluated: 2025-12-01. Review status: criteria provided, single submitter. Criteria: Invitae Variant Classification Sherloc (09022015). Collection method: clinical testing. Allele origin: germline.

PreventionGenetics, part of Exact Sciences
Classification: Likely benign for TRPM1-related condition. Last evaluated: 2019-10-31. Review status: no assertion criteria provided. Collection method: clinical testing. Allele origin: germline. Not counted in ClinVar's aggregate classification.
Comment: This variant is classified as likely benign based on ACMG/AMP sequence variant interpretation guidelines (Richards et al. 2015 PMID: 25741868, with internal and published modifications).

NM_001252024.2(TRPM1):c.4671G>A (p.Leu1557=)

Gene: TRPM1 (transient receptor potential cation channel subfamily M member 1; minus strand). Cytogenetic location: 15q13.3.
Variant type: single nucleotide variant.
Coding change: c.4671G>A on transcript NM_001252024.2 (MANE Select); coding-DNA position 4671, G replaced by A.
Protein change: p.Leu1557=; no amino-acid change (leucine 1557 retained).
Molecular consequence: synonymous variant.
Genome position (GRCh38, 1-based): chr15:31,002,029, C>T on the plus strand (G>A on the coding strand, the complement: TRPM1 is on the minus strand). VCF-style: chr15-31002029-C-T. GRCh37 (hg19) VCF-style: chr15-31294232-C-T.
Other names: c.4722G>A (NM_001252020.1); c.4722G>A, p.Leu1574= (NM_001252020.2); c.4605G>A, p.Leu1535= (NM_002420.6).
Identifiers: ClinVar variation 1170645 (VCV001170645.11), dbSNP rs558497596, ClinGen allele CA7451595.